The following is an entry in ClinVar:

ClinVar aggregate classification (germline): Uncertain significance (1 of 4 stars; one submission).

Submission:

Labcorp Genetics (formerly Invitae), Labcorp
Classification: Uncertain significance. Last evaluated: 2025-05-02. Review status: criteria provided, single submitter. Criteria: Invitae Variant Classification Sherloc (09022015). Collection method: clinical testing. Allele origin: germline.
Comment: This sequence change replaces tyrosine, which is neutral and polar, with cysteine, which is neutral and slightly polar, at codon 133 of the ROR2 protein (p.Tyr133Cys). This variant is not present in population databases (gnomAD no frequency). This variant has not been reported in the literature in individuals affected with ROR2-related conditions. An algorithm developed to predict the effect of missense changes on protein structure and function (PolyPhen-2) suggests that this variant is likely to be disruptive. In summary, the available evidence is currently insufficient to determine the role of this variant in disease. Therefore, it has been classified as a Variant of Uncertain Significance.

NM_004560.4(ROR2):c.398A>G (p.Tyr133Cys)

Gene: ROR2 (receptor tyrosine kinase like orphan receptor 2; minus strand). Cytogenetic location: 9q22.31.
Variant type: single nucleotide variant.
Coding change: c.398A>G on transcript NM_004560.4 (MANE Select); coding-DNA position 398, A replaced by G.
Protein change: p.Tyr133Cys; replaces tyrosine 133 with cysteine.
Molecular consequence: missense variant.
Genome position (GRCh38, 1-based): chr9:91,757,337, T>C on the plus strand (A>G on the coding strand, the complement: ROR2 is on the minus strand). VCF-style: chr9-91757337-T-C. GRCh37 (hg19) VCF-style: chr9-94519619-T-C.
Other names: c.398A>G, p.Tyr133Cys (NM_001318204.2); short protein forms Y133C.
Identifiers: ClinVar variation 4806576 (VCV004806576.1).